The following is an entry in ClinVar:

NM_002075.4(GNB3):c.580C>T (p.Pro194Ser)

Gene: GNB3 (G protein subunit beta 3; plus strand). Cytogenetic location: 12p13.31.
Variant type: single nucleotide variant.
Coding change: c.580C>T on transcript NM_002075.4 (MANE Select); coding-DNA position 580, C replaced by T.
Protein change: p.Pro194Ser; replaces proline 194 with serine.
Molecular consequence: missense variant.
Genome position (GRCh38, 1-based): chr12:6,843,859, C>T. VCF-style: chr12-6843859-C-T. GRCh37 (hg19) VCF-style: chr12-6953023-C-T.
Other names: c.577C>T, p.Pro193Ser (NM_001297571.2); short protein forms P193S, P194S.
Identifiers: ClinVar variation 1043182 (VCV001043182.11), dbSNP rs782538568, ClinGen allele CA6417587.

ClinVar aggregate classification (germline): Uncertain significance. Review status: criteria provided, multiple submitters, no conflicts (2 of 4 stars). 2 submissions from 2 submitters: Uncertain significance (2). Last evaluated 2025-08-11.

Allele frequency attached by ClinVar (database versions not stated): gnomAD exomes below 0.00001 and 0.00001; ExAC 0.00001; TOPMed 0.00001.
gnomAD v4.1: 11 of 1,613,944 alleles (0.00068%); highest among the groups gnomAD compares: Non-Finnish European, 0.00093%; no homozygotes.

Submissions (2):

Labcorp Genetics (formerly Invitae), Labcorp
Classification: Uncertain significance. Last evaluated: 2025-08-11. Review status: criteria provided, single submitter. Criteria: Invitae Variant Classification Sherloc (09022015). Collection method: clinical testing. Allele origin: germline.
Comment: This sequence change replaces proline, which is neutral and non-polar, with serine, which is neutral and polar, at codon 194 of the GNB3 protein (p.Pro194Ser). This variant is present in population databases (rs782538568, gnomAD 0.0009%). This variant has not been reported in the literature in individuals affected with GNB3-related conditions. ClinVar contains an entry for this variant (Variation ID: 1043182). Invitae Evidence Modeling of protein sequence and biophysical properties (such as structural, functional, and spatial information, amino acid conservation, physicochemical variation, residue mobility, and thermodynamic stability) indicates that this missense variant is not expected to disrupt GNB3 protein function with a negative predictive value of 80%. In summary, the available evidence is currently insufficient to determine the role of this variant in disease. Therefore, it has been classified as a Variant of Uncertain Significance.

Blueprint Genetics
Classification: Uncertain significance. Last evaluated: 2021-07-22. Review status: criteria provided, single submitter. Criteria: ACMG Guidelines, 2015. Collection method: clinical testing. Allele origin: germline.